The following is an entry in ClinVar:

ClinVar aggregate classification (germline): Uncertain significance. Review status: criteria provided, multiple submitters, no conflicts (2 of 4 stars). 2 submissions from 2 submitters: Uncertain significance (2). Last evaluated 2025-12-16.

Conditions:
Ehlers-Danlos syndrome, classic type, 1 (EDSCL1). Also called: Ehlers-Danlos Syndrome, Classic Type, COL5A1-Related; EHLERS-DANLOS SYNDROME, GRAVIS TYPE; EHLERS-DANLOS SYNDROME, SEVERE CLASSIC TYPE; Ehlers-Danlos syndrome, type 1; EDS I. Identifiers: MedGen C0268335, MONDO:0019567, OMIM 130000.

Allele frequency attached by ClinVar (database versions not stated): TOPMed below 0.00001; gnomAD exomes below 0.00001; gnomAD 0.00001.
gnomAD v4.1: 3 of 1,612,948 alleles (0.00019%); highest among the groups gnomAD compares: Non-Finnish European, 0.00025%; no homozygotes.

Submissions (2):

Labcorp Genetics (formerly Invitae), Labcorp
Classification: Uncertain significance for Ehlers-Danlos syndrome, classic type, 1. Last evaluated: 2025-12-16. Review status: criteria provided, single submitter. Criteria: Invitae Variant Classification Sherloc (09022015). Collection method: clinical testing. Allele origin: germline.
Comment: This sequence change replaces histidine, which is basic and polar, with asparagine, which is neutral and polar, at codon 143 of the COL5A1 protein (p.His143Asn). This variant is not present in population databases (gnomAD no frequency). This variant has not been reported in the literature in individuals affected with COL5A1-related conditions. ClinVar contains an entry for this variant (Variation ID: 213013). Invitae Evidence Modeling of protein sequence and biophysical properties (such as structural, functional, and spatial information, amino acid conservation, physicochemical variation, residue mobility, and thermodynamic stability) indicates that this missense variant is not expected to disrupt COL5A1 protein function with a negative predictive value of 95%. In summary, the available evidence is currently insufficient to determine the role of this variant in disease. Therefore, it has been classified as a Variant of Uncertain Significance.

GeneDx
Classification: Uncertain significance. Last evaluated: 2013-08-16. Review status: criteria provided, single submitter. Criteria: GeneDx Variant Classification (06012015). Collection method: clinical testing. Allele origin: germline. Affected: yes.
Comment: p.His143Asn (CAC>AAC): c.427 C>A in exon 3 of the COL5A1 gene (NM_000093.3) The His143Asn variant in the COL5A1 gene has not been reported as a disease-causing mutation or as a benign polymorphism to our knowledge. His143Asn results in a semi-conservative amino acid substitution of a positively charged Histidine with a neutral, polar Asparagine at a position that is conserved across most species. In silico analysis predicts His143Asn is possibly damaging to the protein structure/function. The His143Asn variant was not observed in approximately 6500 individuals of European and African American ancestry in the NHLBI Exome Sequencing Project, indicating it is not a common benign variant in these populations. Nevertheless, missense mutations in nearby residues have not been reported in association with classic-type EDS/TAAD, indicating this region of the protein may tolerate change.With the clinical and molecular information available at this time, we cannot definitively determine if His143Asn is a disease-causing mutation or a rare benign variant.The pathogenic role for this variant would be further supported if it co-segregates with classic-type EDS/TAAD. This variant was found in TAAD

NM_000093.5(COL5A1):c.427C>A (p.His143Asn)

Gene: COL5A1 (collagen type V alpha 1 chain; plus strand). Cytogenetic location: 9q34.3.
Variant type: single nucleotide variant.
Coding change: c.427C>A on transcript NM_000093.5 (MANE Select); coding-DNA position 427, C replaced by A.
Protein change: p.His143Asn; replaces histidine 143 with asparagine.
Molecular consequence: missense variant.
Genome position (GRCh38, 1-based): chr9:134,700,058, C>A. VCF-style: chr9-134700058-C-A. GRCh37 (hg19) VCF-style: chr9-137591904-C-A.
Other names: p.H143N:CAC>AAC; c.427C>A, p.His143Asn (NM_001278074.1); short protein forms H143N.
Identifiers: ClinVar variation 213013 (VCV000213013.10), dbSNP rs863223465, ClinGen allele CA320179.